The following is an entry in ClinVar:

NM_000371.4(TTR):c.194C>T (p.Ala65Val)

Gene: TTR (transthyretin; plus strand). Cytogenetic location: 18q12.1.
Variant type: single nucleotide variant.
Coding change: c.194C>T on transcript NM_000371.4 (MANE Select); coding-DNA position 194, C replaced by T.
Protein change: p.Ala65Val; replaces alanine 65 with valine.
Molecular consequence: missense variant.
Genome position (GRCh38, 1-based): chr18:31,593,020, C>T. VCF-style: chr18-31593020-C-T. GRCh37 (hg19) VCF-style: chr18-29172983-C-T.
Other names: p.Ala65Val; short protein forms A65V.
Identifiers: ClinVar variation 448841 (VCV000448841.15), dbSNP rs730881169, ClinGen allele CA402156873.
Genomic context (GRCh38, chr18:31,593,020, plus strand): 5'-CCATCAATGTGGCCGTGCATGTGTTCAGAAAGGCTGCTGATGACACCTGGGAGCCATTTG[C>T]CTCTGGGTAAGTTGCCAAAGAACCCTCCCACAGGACTTGGTTTTATCTTCCCGTTTGCCC-3'
Protein context (NP_000362.1, residues 55-75): KAADDTWEPF[Ala65Val]SGKTSESGEL

ClinVar aggregate classification (germline): Pathogenic/Likely pathogenic. Review status: criteria provided, multiple submitters, no conflicts (2 of 4 stars). 5 submissions from 5 submitters: Pathogenic (3); Likely pathogenic (2). Last evaluated 2026-04-07.

Conditions:
Amyloidosis, hereditary systemic 1 (AMYLD1). Also called: Transthyretin Amyloidosis; AMYLOID CARDIOMYOPATHY; Hereditary Transthyretin Amyloidosis; Isolated Cardiac Amyloidosis; Amyloid Cardiomyopathy, Transthyretin-related; Familial amyloid polyneuropathy. Identifiers: Orphanet 85447, Orphanet 85451, MedGen C2751492, MONDO:0971004, OMIM 105210.
Cardiovascular phenotype. Identifiers: MedGen CN230736.

Submissions (5):

GeneDx
Classification: Likely pathogenic. Last evaluated: 2026-04-07. Review status: criteria provided, single submitter. Criteria: GeneDx Variant Classification Process June 2021. Collection method: clinical testing. Allele origin: germline.
Comment: Not observed at significant frequency in large population cohorts (gnomAD); In silico analysis supports that this missense variant has a deleterious effect on protein structure/function; Also known as p.(A45V); This variant is associated with the following publications: (PMID: 35933469, 26208957, 36494773)

Mayo Clinic Laboratories, Mayo Clinic
Classification: Pathogenic. Last evaluated: 2025-06-03. Review status: criteria provided, single submitter. Criteria: ACMG Guidelines, 2015. Collection method: clinical testing. Allele origin: germline. Observed: 1 variant allele.
Comment: PP2, PP3, PP4, PM1, PM2_supporting, PS3

Athena Diagnostics
Classification: Pathogenic. Last evaluated: 2025-02-06. Review status: criteria provided, single submitter. Criteria: Athena Diagnostics Criteria. Collection method: clinical testing. Allele origin: unknown.
Comment: This variant has not been reported in large, multi-ethnic general populations. This variant has been identified in at least one individual with clinical features associated with this gene. In some published literature, this variant is referred to as p.Ala45Val. Polyphen and MutationTaster predict this amino acid change may be damaging to the protein. At least one other missense variant at this codon is considered to be pathogenic or likely pathogenic, suggesting this variant may also cause disease.

Labcorp Genetics (formerly Invitae), Labcorp
Classification: Pathogenic for Amyloidosis, hereditary systemic 1. Last evaluated: 2022-08-22. Review status: criteria provided, single submitter. Criteria: Invitae Variant Classification Sherloc (09022015). Collection method: clinical testing. Allele origin: germline.
Comment: Advanced modeling of protein sequence and biophysical properties (such as structural, functional, and spatial information, amino acid conservation, physicochemical variation, residue mobility, and thermodynamic stability) performed at Invitae indicates that this missense variant is expected to disrupt TTR protein function. ClinVar contains an entry for this variant (Variation ID: 448841). This missense change has been observed in individual(s) with TTR-related conditions (PMID: 26208957, 35933469). This variant is not present in population databases (gnomAD no frequency). This sequence change replaces alanine, which is neutral and non-polar, with valine, which is neutral and non-polar, at codon 65 of the TTR protein (p.Ala65Val). This variant disrupts the p.Ala65 amino acid residue in TTR. Other variant(s) that disrupt this residue have been observed in individuals with TTR-related conditions (PMID: 1570831, 24953234, 28460244), which suggests that this may be a clinically significant amino acid residue. This variant is also known as A45V. For these reasons, this variant has been classified as Pathogenic.

Ambry Genetics
Classification: Likely pathogenic for Cardiovascular phenotype. Last evaluated: 2020-04-23. Review status: criteria provided, single submitter. Criteria: Ambry Variant Classification Scheme 2023. Collection method: clinical testing. Allele origin: germline.
Comment: The p.A65V variant (also known as c.194C>T and p.A45V), located in coding exon 2 of the TTR gene, results from a C to T substitution at nucleotide position 194. The alanine at codon 65 is replaced by valine, an amino acid with similar properties. This alteration has been identified in one individual with hereditary transthyretin amyloidosis (hATTR) (Adams D et al. Neurology, 2015 Aug;85:675-82). Based on internal structural analysis, this variant is anticipated to result in a significant decrease in structural stability (Zanotti G et al. Eur. J. Biochem., 1995 Dec;234:563-9; Ambry internal data). Other alterations impacting the same codon (p.A65T, p.A65G, p.A65S, and p.A65D) have also been described in association with hATTR (Saraiva MJ et al. Am. J. Hum. Genet. 1992 May;50:1027-30; Janunger T et al. Amyloid. 2000 Jun;7(2):137-40; Pilebro B et al. Ups. J. Med. Sci. 2016 Feb;121:17-24). This variant was not reported in population-based cohorts in the Genome Aggregation Database (gnomAD) (Lek M et al. Nature, 2016 08;536:285-91). This amino acid position is highly conserved in available vertebrate species. In addition, this alteration is predicted to be deleterious by in silico analysis. Based on the majority of available evidence to date, this variant is likely to be pathogenic.

Literature cited by the submitters: PubMed 10842718 (cited by Mayo Clinic Laboratories, Mayo Clinic); PubMed 1570831 (cited by Mayo Clinic Laboratories, Mayo Clinic and Labcorp Genetics (formerly Invitae), Labcorp); PubMed 24953234 (cited by Mayo Clinic Laboratories, Mayo Clinic and Labcorp Genetics (formerly Invitae), Labcorp); PubMed 26208957 (cited by 3 submitters); PubMed 28460244 (cited by Mayo Clinic Laboratories, Mayo Clinic and Labcorp Genetics (formerly Invitae), Labcorp); PubMed 35903975 (cited by Mayo Clinic Laboratories, Mayo Clinic and Athena Diagnostics); PubMed 35933469 (cited by 3 submitters); PubMed 36494773 (cited by Mayo Clinic Laboratories, Mayo Clinic and Athena Diagnostics); PubMed 39575713 (cited by Mayo Clinic Laboratories, Mayo Clinic and Athena Diagnostics); PubMed 31583185 (cited by Athena Diagnostics); PubMed 37014422 (cited by Athena Diagnostics); PubMed 8536704 (cited by Ambry Genetics).